The following is an entry in ClinVar:

ClinVar aggregate classification (germline): Uncertain significance (1 of 4 stars; one submission).

Submission:

Labcorp Genetics (formerly Invitae), Labcorp
Classification: Uncertain significance. Last evaluated: 2021-08-14. Review status: criteria provided, single submitter. Criteria: Invitae Variant Classification Sherloc (09022015). Collection method: clinical testing. Allele origin: germline.
Comment: This variant results in a copy number gain of the genomic region encompassing exon(s) 1-9 of the TBXAS1 gene. This region includes the initiator codon of the gene. This copy number gain extends beyond the assayed region for this gene and therefore may encompass additional genes. As the precise location of this event is unknown, it may be in tandem or it may be located elsewhere in the genome. This variant has not been reported in the literature in individuals affected with TBXAS1-related conditions. Experimental studies and prediction algorithms are not available or were not evaluated, and the functional significance of this variant is currently unknown. In summary, the available evidence is currently insufficient to determine the role of this variant in disease. Therefore, it has been classified as a Variant of Uncertain Significance.

NC_000007.13:g.(?_139529187)_(139662052_?)dup

Gene: TBXAS1 (thromboxane A synthase 1; plus strand). Cytogenetic location: 7q34.
Variant type: Duplication.
Identifiers: ClinVar variation 1446346 (VCV001446346.3).